The following is an entry in ClinVar:

ClinVar aggregate classification (germline): Uncertain significance. Review status: criteria provided, single submitter (1 of 4 stars). 2 submissions from 2 submitters: Uncertain significance (1). 1 of the submissions does not count toward it. Last evaluated 2025-07-07.

Conditions:
Smith-Lemli-Opitz syndrome (SLOS). Also called: 7-Dehydrocholesterol reductase deficiency; POLYDACTYLY, SEX REVERSAL, RENAL HYPOPLASIA, AND UNILOBAR LUNG; RSH SYNDROME; RUTLEDGE LETHAL MULTIPLE CONGENITAL ANOMALY SYNDROME; LETHAL ACRODYSGENITAL SYNDROME. Identifiers: Orphanet 818, MedGen C0175694, MONDO:0010035, OMIM 270400.

Submissions (2):

Women's Health and Genetics/Laboratory Corporation of America, LabCorp
Classification: Uncertain significance. Last evaluated: 2025-07-07. Review status: criteria provided, single submitter. Criteria: LabCorp Variant Classification Summary - May 2015. Collection method: clinical testing. Allele origin: germline.
Comment: Variant summary: DHCR7 c.1080_1081delGT (p.Phe361ProfsX195) causes a frameshift which results in an extension of the protein. The variant was absent in 248976 control chromosomes. The available data on variant occurrences in the general population are insufficient to allow any conclusion about variant significance. To our knowledge, no occurrence of c.1080_1081delGT in individuals affected with Smith-Lemli-Opitz Syndrome and no experimental evidence demonstrating its impact on protein function have been reported. ClinVar contains an entry for this variant (Variation ID: 370477). Based on the evidence outlined above, the variant was classified as uncertain significance.

Counsyl
Classification: Likely pathogenic for Smith-Lemli-Opitz syndrome. Last evaluated: 2016-02-16. Review status: no assertion criteria provided. Collection method: clinical testing. Allele origin: unknown. Not counted in ClinVar's aggregate classification.

NM_001360.3(DHCR7):c.1080_1081del (p.Phe361fs)

Gene: DHCR7 (7-dehydrocholesterol reductase; minus strand). Cytogenetic location: 11q13.4.
Variant type: Deletion.
Coding change: c.1080_1081del on transcript NM_001360.3 (MANE Select); coding-DNA positions 1080 to 1081, 2 bases deleted (GT; older notation c.1080_1081delGT).
Protein change: p.Phe361fs; shifts the reading frame from phenylalanine 361.
Molecular consequence: frameshift variant.
Genome position (GRCh38, 1-based): chr11:71,435,722-71,435,723, AC deleted on the plus strand (GT on the coding strand, the reverse complement: DHCR7 is on the minus strand); deleting any 2 consecutive bases within chr11:71,435,722-71,435,724 gives the same sequence; the c. name uses the placement nearest the transcript's 3' end. VCF-style (leftmost placement, unchanged base first): chr11-71435721-AAC-A. GRCh37 (hg19) VCF-style: chr11-71146767-AAC-A.
Other names: c.1080_1081delGT (NM_001360.2, NM_001360.3); c.1080_1081del, p.Phe361fs (NM_001163817.2); short protein forms F361fs.
Identifiers: ClinVar variation 370477 (VCV000370477.5), dbSNP rs1057516517, ClinGen allele CA16041546.